The following is an entry in ClinVar:

NM_000222.3(KIT):c.2483A>G (p.Asn828Ser)

Gene: KIT (KIT proto-oncogene, receptor tyrosine kinase; plus strand). Cytogenetic location: 4q12.
Variant type: single nucleotide variant.
Coding change: c.2483A>G on transcript NM_000222.3 (MANE Select); coding-DNA position 2483, A replaced by G.
Protein change: p.Asn828Ser; replaces asparagine 828 with serine.
Molecular consequence: missense variant.
Genome position (GRCh38, 1-based): chr4:54,733,191, A>G. VCF-style: chr4-54733191-A-G. GRCh37 (hg19) VCF-style: chr4-55599357-A-G.
Other names: c.2471A>G, p.Asn824Ser (NM_001093772.2, NM_001385292.1); c.2486A>G, p.Asn829Ser (NM_001385284.1); c.2480A>G, p.Asn827Ser (NM_001385285.1); c.2468A>G, p.Asn823Ser (NM_001385286.1); c.2474A>G, p.Asn825Ser (NM_001385288.1); c.2483A>G, p.Asn828Ser (NM_001385290.1); short protein forms N828S, N824S, N823S, N825S, N827S, N829S.
Identifiers: ClinVar variation 583013 (VCV000583013.9), dbSNP rs1560422319, ClinGen allele CA356912091.

ClinVar aggregate classification (germline): Uncertain significance. Review status: criteria provided, multiple submitters, no conflicts (2 of 4 stars). 2 submissions from 2 submitters: Uncertain significance (2). Last evaluated 2025-03-26.

Conditions:
Hereditary cancer-predisposing syndrome. Also called: Hereditary Cancer Syndrome; Tumor predisposition; Neoplastic Syndromes, Hereditary; Hereditary neoplastic syndrome. Identifiers: Orphanet 140162, MedGen C0027672, MeSH D009386, MONDO:0015356.
Gastrointestinal stromal tumor. Also called: Gastrointestinal stromal tumor, somatic; Gastrointestinal stroma tumor. Identifiers: Orphanet 44890, MedGen C0238198, MeSH D046152, MONDO:0011719, OMIM 606764, HP:0100723.

Allele frequency attached by ClinVar (database versions not stated): gnomAD exomes below 0.00001.
gnomAD v4.1: 1 of 1,612,336 alleles (0.000062%); highest among the groups gnomAD compares: Non-Finnish European, 0.000085%; no homozygotes.

Submissions (2):

Ambry Genetics
Classification: Uncertain significance for Hereditary cancer-predisposing syndrome. Last evaluated: 2025-03-26. Review status: criteria provided, single submitter. Criteria: Ambry Variant Classification Scheme 2023. Collection method: clinical testing. Allele origin: germline.
Comment: The p.N828S variant (also known as c.2483A>G), located in coding exon 17 of the KIT gene, results from an A to G substitution at nucleotide position 2483. The asparagine at codon 828 is replaced by serine, an amino acid with highly similar properties. This amino acid position is highly conserved in available vertebrate species. In addition, this alteration is predicted to be tolerated by in silico analysis. Based on the available evidence, the clinical significance of this variant remains unclear.

Labcorp Genetics (formerly Invitae), Labcorp
Classification: Uncertain significance for Gastrointestinal stromal tumor. Last evaluated: 2022-02-25. Review status: criteria provided, single submitter. Criteria: Invitae Variant Classification Sherloc (09022015). Collection method: clinical testing. Allele origin: germline.
Comment: ClinVar contains an entry for this variant (Variation ID: 583013). This variant has not been reported in the literature in individuals affected with KIT-related conditions. This variant is not present in population databases (gnomAD no frequency). This sequence change replaces asparagine, which is neutral and polar, with serine, which is neutral and polar, at codon 828 of the KIT protein (p.Asn828Ser). Algorithms developed to predict the effect of missense changes on protein structure and function (SIFT, PolyPhen-2, Align-GVGD) all suggest that this variant is likely to be disruptive. In summary, the available evidence is currently insufficient to determine the role of this variant in disease. Therefore, it has been classified as a Variant of Uncertain Significance.